The following is an entry in ClinVar:

ClinVar aggregate classification (germline): Uncertain significance (1 of 4 stars; one submission).

Conditions:
Hereditary cancer-predisposing syndrome. Also called: Tumor predisposition; Hereditary neoplastic syndrome; Hereditary Cancer Syndrome; Neoplastic Syndromes, Hereditary. Identifiers: Orphanet 140162, MedGen C0027672, MeSH D009386, MONDO:0015356.

Submission:

Ambry Genetics
Classification: Uncertain significance for Hereditary cancer-predisposing syndrome. Last evaluated: 2025-05-24. Review status: criteria provided, single submitter. Criteria: Ambry Variant Classification Scheme 2023. Collection method: clinical testing. Allele origin: germline.
Comment: The p.Q160L variant (also known as c.479A>T), located in coding exon 5 of the RAD51D gene, results from an A to T substitution at nucleotide position 479. The glutamine at codon 160 is replaced by leucine, an amino acid with dissimilar properties. This amino acid position is conserved. In addition, this alteration is predicted to be tolerated by in silico analysis. Based on the available evidence, the clinical significance of this variant remains unclear.

NM_002878.4(RAD51D):c.479A>T (p.Gln160Leu)

Genes: RAD51D (RAD51 paralog D; minus strand), RAD51L3-RFFL (RAD51L3-RFFL readthrough; minus strand). Cytogenetic location: 17q12.
Variant type: single nucleotide variant.
Coding change: c.479A>T on transcript NM_002878.4 (MANE Select); coding-DNA position 479, A replaced by T.
Protein change: p.Gln160Leu; replaces glutamine 160 with leucine.
Molecular consequence: missense variant. On other transcripts: non-coding transcript variant (1), intron variant (1).
Genome position (GRCh38, 1-based): chr17:35,106,989, T>A on the plus strand (A>T on the coding strand, the complement: RAD51D is on the minus strand). VCF-style: chr17-35106989-T-A. GRCh37 (hg19) VCF-style: chr17-33434008-T-A.
Other names: c.539A>T, p.Gln180Leu (NM_001142571.2); c.145-508A>T (NM_133629.3); short protein forms Q180L, Q160L.
Identifiers: ClinVar variation 3942393 (VCV003942393.1).
Genomic context (GRCh38, chr17:35,106,989, plus strand): 5'-AGGGATAATGGGGTTTTCCTGTGTCAGAATCTCAATGGAACCCAGCATCCTGCCCTTACC[T>A]GTTCCTCCTCATCCTGGGTTTTAGCCTGAAGCAGCTGGAGGAGGCGGGAAGCTGTCAGCC-3'
Protein context (NP_002869.3, residues 150-170): LQAKTQDEEE[Gln160Leu]AEALRRIQVV